The following is an entry in ClinVar:

ClinVar aggregate classification (germline): Conflicting classifications of pathogenicity. Review status: criteria provided, conflicting classifications (1 of 4 stars). 3 submissions from 3 submitters: Likely pathogenic (1); Uncertain significance (2). Last evaluated 2025-10-21.

Conditions:
Mucopolysaccharidosis type 6 (MPS6). Also called: N-ACETYLGALACTOSAMINE-4-SULFATASE DEFICIENCY; MPS VI; MPS 6; Maroteaux Lamy syndrome; ARSB DEFICIENCY; ARYLSULFATASE B DEFICIENCY. Identifiers: Orphanet 583, MedGen C0026709, MONDO:0009661, OMIM 253200.

Allele frequency attached by ClinVar (database versions not stated): gnomAD exomes below 0.00001.
gnomAD v4.1: 3 of 1,614,152 alleles (0.00019%); highest among the groups gnomAD compares: Non-Finnish European, 0.00025%; no homozygotes.

Submissions (3):

Women's Health and Genetics/Laboratory Corporation of America, LabCorp
Classification: Uncertain significance. Last evaluated: 2025-10-21. Review status: criteria provided, single submitter. Criteria: LabCorp Variant Classification Summary - May 2015. Collection method: clinical testing. Allele origin: germline.
Comment: Variant summary: ARSB c.1442C>T (p.Pro481Leu) results in a non-conservative amino acid change in the encoded protein sequence. Algorithms developed to predict the effect of missense changes on protein structure and function all suggest that this variant is likely to be disruptive. The variant was absent in 251428 control chromosomes. The available data on variant occurrences in the general population are insufficient to allow any conclusion about variant significance. c.1442C>T has been reported in the literature in a compound heterozygous individual affected with halitosis, slight photophobia, dyslexia, and mild hearing loss but not with typical presentations of Mucopolysaccharidosis Type VI (Maroteaux-Lamy Syndrome) (Brooks_2005). This report does not provide unequivocal conclusions about association of the variant with Mucopolysaccharidosis Type VI (Maroteaux-Lamy Syndrome). At least one publication reports experimental evidence evaluating an impact on protein function. These results showed comparable specific activity of the mutant protein compared to that of wild type protein (Brooks_2005). The following publications have been ascertained in the context of this evaluation (PMID: 15979036, 24221504, 30118150). ClinVar contains an entry for this variant (Variation ID: 559713). Based on the evidence outlined above, the variant was classified as uncertain significance.

Labcorp Genetics (formerly Invitae), Labcorp
Classification: Likely pathogenic for Mucopolysaccharidosis type 6. Last evaluated: 2022-10-07. Review status: criteria provided, single submitter. Criteria: Invitae Variant Classification Sherloc (09022015). Collection method: clinical testing. Allele origin: germline.
Comment: In summary, the currently available evidence indicates that the variant is pathogenic, but additional data are needed to prove that conclusively. Therefore, this variant has been classified as Likely Pathogenic. Experimental studies have shown that this missense change affects ARSB function (PMID: 15979036). Advanced modeling of protein sequence and biophysical properties (such as structural, functional, and spatial information, amino acid conservation, physicochemical variation, residue mobility, and thermodynamic stability) performed at Invitae indicates that this missense variant is expected to disrupt ARSB protein function. ClinVar contains an entry for this variant (Variation ID: 559713). This missense change has been observed in individual(s) with mucopolysaccharidosis type VI (PMID: 15979036). This variant is not present in population databases (gnomAD no frequency). This sequence change replaces proline, which is neutral and non-polar, with leucine, which is neutral and non-polar, at codon 481 of the ARSB protein (p.Pro481Leu).

Laboratory of Diagnosis and Therapy of Lysosomal Disorders, University of Padova
Classification: Uncertain significance for Mucopolysaccharidosis type 6. Last evaluated: 2018-01-01. Review status: criteria provided, single submitter. Criteria: ACMG Guidelines, 2015. Collection method: curation. Allele origin: germline. Affected: yes.
Comment: Absent from GnomAD (PM2)

Literature cited by the submitters: PubMed 30118150 (cited by Women's Health and Genetics/Laboratory Corporation of America, LabCorp and Laboratory of Diagnosis and Therapy of Lysosomal Disorders, University of Padova); PubMed 24221504 (cited by Women's Health and Genetics/Laboratory Corporation of America, LabCorp); PubMed 15979036 (cited by Women's Health and Genetics/Laboratory Corporation of America, LabCorp and Labcorp Genetics (formerly Invitae), Labcorp); PubMed 7733883 (cited by Laboratory of Diagnosis and Therapy of Lysosomal Disorders, University of Padova).

NM_000046.5(ARSB):c.1442C>T (p.Pro481Leu)

Gene: ARSB (arylsulfatase B; minus strand). Cytogenetic location: 5q14.1.
Variant type: single nucleotide variant.
Coding change: c.1442C>T on transcript NM_000046.5 (MANE Select); coding-DNA position 1442, C replaced by T.
Protein change: p.Pro481Leu; replaces proline 481 with leucine.
Molecular consequence: missense variant.
Genome position (GRCh38, 1-based): chr5:78,780,557, G>A on the plus strand (C>T on the coding strand, the complement: ARSB is on the minus strand). VCF-style: chr5-78780557-G-A. GRCh37 (hg19) VCF-style: chr5-78076380-G-A.
Other names: short protein forms P481L.
Identifiers: ClinVar variation 559713 (VCV000559713.9), dbSNP rs906245021, ClinGen allele CA360339103.